The following is an entry in ClinVar:

ClinVar aggregate classification (germline): Likely benign. Review status: criteria provided, multiple submitters, no conflicts (2 of 4 stars). 3 submissions from 3 submitters: Likely benign (3). Last evaluated 2026-06-16.

Conditions:
Early-infantile DEE. Also called: Early infantile epileptic encephalopathy with suppression bursts; Ohtahara syndrome; Early infantile epileptic encephalopathy. Identifiers: Orphanet 1934, MedGen C0393706, MONDO:0800491.
KCNQ2-Related Disorders. Also called: KCNQ2-related disorder; KCNQ2-related condition. Identifiers: MedGen CN169299.

gnomAD v4.1: 8 of 1,556,108 alleles (0.00051%); highest among the groups gnomAD compares: African/African-American, 0.0014%; no homozygotes.

Submissions (3):

PreventionGenetics, part of Exact Sciences
Classification: Likely benign for KCNQ2-related condition. Last evaluated: 2026-06-16. Review status: criteria provided, single submitter. Criteria: ACMG Guidelines, 2015. Collection method: clinical testing. Allele origin: germline.
Comment: This variant is classified as likely benign based on ACMG/AMP sequence variant interpretation guidelines (Richards et al. 2015 PMID: 25741868, with internal and published modifications).

Labcorp Genetics (formerly Invitae), Labcorp
Classification: Likely benign for Early-infantile DEE. Last evaluated: 2025-11-02. Review status: criteria provided, single submitter. Criteria: Invitae Variant Classification Sherloc (09022015). Collection method: clinical testing. Allele origin: germline.

Blueprint Genetics
Classification: Likely benign. Last evaluated: 2023-01-13. Review status: criteria provided, single submitter. Criteria: ACMG Guidelines, 2015. Collection method: clinical testing. Allele origin: germline.

NM_172107.4(KCNQ2):c.1239G>C (p.Pro413=)

Gene: KCNQ2 (potassium voltage-gated channel subfamily Q member 2; minus strand). Cytogenetic location: 20q13.33.
Variant type: single nucleotide variant.
Coding change: c.1239G>C on transcript NM_172107.4 (MANE Select); coding-DNA position 1239, G replaced by C.
Protein change: p.Pro413=; no amino-acid change (proline 413 retained).
Molecular consequence: synonymous variant.
Genome position (GRCh38, 1-based): chr20:63,424,185, C>G on the plus strand (G>C on the coding strand, the complement: KCNQ2 is on the minus strand). VCF-style: chr20-63424185-C-G. GRCh37 (hg19) VCF-style: chr20-62055538-C-G.
Other names: c.1239G>C, p.Pro413= (NM_001382235.1, NM_172106.3, NM_172108.5); c.1209G>C, p.Pro403= (NM_004518.6); c.1239G>C (NM_172107.3).
Identifiers: ClinVar variation 1986703 (VCV001986703.6), dbSNP rs372146620, ClinGen allele CA511204374.